The following is an entry in ClinVar:

ClinVar aggregate classification (germline): Likely benign. Review status: criteria provided, multiple submitters, no conflicts (2 of 4 stars). 4 submissions from 4 submitters: Likely benign (4). Last evaluated 2026-01-11.

Conditions:
Hereditary cancer-predisposing syndrome. Also called: Neoplastic Syndromes, Hereditary; Hereditary neoplastic syndrome; Tumor predisposition; Hereditary Cancer Syndrome. Identifiers: Orphanet 140162, MedGen C0027672, MeSH D009386, MONDO:0015356.
Ataxia-telangiectasia syndrome (AT). Also called: AT, COMPLEMENTATION GROUP C; ATAXIA-TELANGIECTASIA, COMPLEMENTATION GROUP A; ATAXIA-TELANGIECTASIA, FRESNO VARIANT; LOUIS-BAR SYNDROME; Ataxia-telangiectasia; Cerebello-oculocutaneous telangiectasia. Identifiers: Orphanet 100, MedGen C0004135, MONDO:0008840, OMIM 208900.
Familial cancer of breast. Also called: BREAST CANCER, FAMILIAL; hereditary breast carcinoma; Hereditary breast cancer. Identifiers: Orphanet 227535, MedGen C0346153, MONDO:0016419, OMIM 114480. Disease mechanism: loss of function.

Allele frequency attached by ClinVar (database versions not stated): gnomAD 0.00001; gnomAD exomes 0.00001; TOPMed 0.00001; ExAC 0.00003.
gnomAD v4.1: 8 of 1,603,660 alleles (0.0005%); highest among the groups gnomAD compares: Admixed American, 0.0017%; no homozygotes.

Submissions (4):

Labcorp Genetics (formerly Invitae), Labcorp
Classification: Likely benign for Ataxia-telangiectasia syndrome. Last evaluated: 2026-01-11. Review status: criteria provided, single submitter. Criteria: Invitae Variant Classification Sherloc (09022015). Collection method: clinical testing. Allele origin: germline.

Myriad Genetics, Inc.
Classification: Likely benign for Familial cancer of breast. Last evaluated: 2024-04-17. Review status: criteria provided, single submitter. Criteria: Myriad Autosomal Dominant, Autosomal Recessive and X-Linked Classification Criteria (2023). Collection method: clinical testing. Allele origin: unknown.
Comment: This variant is considered likely benign. This variant is intronic and is not expected to impact mRNA splicing.

Color Diagnostics, LLC DBA Color Health
Classification: Likely benign for Hereditary cancer-predisposing syndrome. Last evaluated: 2017-08-30. Review status: criteria provided, single submitter. Criteria: ACMG Guidelines, 2015. Collection method: clinical testing. Allele origin: germline.

GeneDx
Classification: Likely benign. Last evaluated: 2016-03-21. Review status: criteria provided, single submitter. Criteria: GeneDx Variant Classification (06012015). Collection method: clinical testing. Allele origin: germline. Affected: yes.
Comment: This variant is considered likely benign or benign based on one or more of the following criteria: it is a conservative change, it occurs at a poorly conserved position in the protein, it is predicted to be benign by multiple in silico algorithms, and/or has population frequency not consistent with disease.

NM_000051.4(ATM):c.186-19G>A

Gene: ATM (ATM serine/threonine kinase; plus strand). Cytogenetic location: 11q22.3.
Variant type: single nucleotide variant.
Coding change: c.186-19G>A on transcript NM_000051.4 (MANE Select); 19 bases into the intron before coding-DNA position 186, G replaced by A.
Molecular consequence: intron variant.
Genome position (GRCh38, 1-based): chr11:108,229,159, G>A. VCF-style: chr11-108229159-G-A. GRCh37 (hg19) VCF-style: chr11-108099886-G-A.
Other names: c.186-19G>A (NM_001351834.2, NM_001351835.2, NM_001351836.2).
Identifiers: ClinVar variation 385043 (VCV000385043.12), dbSNP rs748791429, ClinGen allele CA6264531.